The following is an entry in ClinVar:

NM_020680.4(SCYL1):c.1544C>T (p.Thr515Ile)

Gene: SCYL1 (SCY1 like pseudokinase 1; plus strand). Cytogenetic location: 11q13.1.
Variant type: single nucleotide variant.
Coding change: c.1544C>T on transcript NM_020680.4 (MANE Select); coding-DNA position 1544, C replaced by T.
Protein change: p.Thr515Ile; replaces threonine 515 with isoleucine.
Molecular consequence: missense variant.
Genome position (GRCh38, 1-based): chr11:65,536,110, C>T. VCF-style: chr11-65536110-C-T. GRCh37 (hg19) VCF-style: chr11-65303581-C-T.
Other names: c.1544C>T, p.Thr515Ile (NM_001048218.2, NM_001411022.1); short protein forms T515I.
Identifiers: ClinVar variation 2410320 (VCV002410320.4), dbSNP rs372352176, ClinGen allele CA6099839.

ClinVar aggregate classification (germline): Uncertain significance. Review status: criteria provided, multiple submitters, no conflicts (2 of 4 stars). 3 submissions from 3 submitters: Uncertain significance (3). Last evaluated 2025-10-06.

Conditions:
Inborn genetic diseases. Identifiers: MedGen C0950123, MeSH D030342.

Allele frequency attached by ClinVar (database versions not stated): gnomAD 0.00007; ESP Exome Variant Server 0.00008; ExAC 0.00009; TOPMed 0.00011; gnomAD exomes 0.00015.
gnomAD v4.1: 232 of 1,613,932 alleles (0.014%); highest among the groups gnomAD compares: Middle Eastern, 0.033%; no homozygotes.

Submissions (3):

Women's Health and Genetics/Laboratory Corporation of America, LabCorp
Classification: Uncertain significance. Last evaluated: 2025-10-06. Review status: criteria provided, single submitter. Criteria: LabCorp Variant Classification Summary - May 2015. Collection method: clinical testing. Allele origin: germline.
Comment: Variant summary: SCYL1 c.1544C>T (p.Thr515Ile) results in a non-conservative amino acid change in the encoded protein sequence. Algorithms developed to predict the effect of missense changes on protein structure and function are either unavailable or do not agree on the potential impact of this missense change. The variant allele was found at a frequency of 8.4e-05 in 249062 control chromosomes. This frequency is not significantly higher than estimated for disease-causing variants in SCYL1, allowing no conclusion about variant significance. To our knowledge, no occurrence of c.1544C>T in individuals affected with SCYL1-related conditions and no experimental evidence demonstrating its impact on protein function have been reported. ClinVar contains an entry for this variant (Variation ID: 2410320). Based on the evidence outlined above, the variant was classified as uncertain significance.

Labcorp Genetics (formerly Invitae), Labcorp
Classification: Uncertain significance. Last evaluated: 2024-12-05. Review status: criteria provided, single submitter. Criteria: Invitae Variant Classification Sherloc (09022015). Collection method: clinical testing. Allele origin: germline.
Comment: This sequence change replaces threonine, which is neutral and polar, with isoleucine, which is neutral and non-polar, at codon 515 of the SCYL1 protein (p.Thr515Ile). This variant is present in population databases (rs372352176, gnomAD 0.02%). This variant has not been reported in the literature in individuals affected with SCYL1-related conditions. ClinVar contains an entry for this variant (Variation ID: 2410320). An algorithm developed to predict the effect of missense changes on protein structure and function (PolyPhen-2) suggests that this variant is likely to be disruptive. In summary, the available evidence is currently insufficient to determine the role of this variant in disease. Therefore, it has been classified as a Variant of Uncertain Significance.

Ambry Genetics
Classification: Uncertain significance for Inborn genetic diseases. Last evaluated: 2021-08-12. Review status: criteria provided, single submitter. Criteria: Ambry Variant Classification Scheme 2023. Collection method: clinical testing. Allele origin: germline.